The following is an entry in ClinVar:

ClinVar aggregate classification (germline): Uncertain significance. Review status: criteria provided, multiple submitters, no conflicts (2 of 4 stars). 2 submissions from 2 submitters: Uncertain significance (2). Last evaluated 2025-01-22.

Conditions:
Neurofibromatosis, type 1 (NF1). Also called: VON RECKLINGHAUSEN DISEASE; NEUROFIBROMATOSIS, TYPE I, SOMATIC; Neurofibromatosis, type I; Peripheral type neurofibromatosis. Identifiers: Orphanet 636, MedGen C0027831, MONDO:0018975, OMIM 162200. Disease mechanism: loss of function.
Cardiovascular phenotype. Identifiers: MedGen CN230736.
Hereditary cancer-predisposing syndrome. Also called: Neoplastic Syndromes, Hereditary; Tumor predisposition; Hereditary Cancer Syndrome; Hereditary neoplastic syndrome. Identifiers: Orphanet 140162, MedGen C0027672, MeSH D009386, MONDO:0015356.

Allele frequency attached by ClinVar (database versions not stated): TOPMed below 0.00001; gnomAD 0.00001.
gnomAD v4.1: 1 of 1,613,966 alleles (0.000062%); highest among the groups gnomAD compares: Non-Finnish European, 0.000085%; no homozygotes.

Submissions (2):

Labcorp Genetics (formerly Invitae), Labcorp
Classification: Uncertain significance for Neurofibromatosis, type 1. Last evaluated: 2025-01-22. Review status: criteria provided, single submitter. Criteria: Invitae Variant Classification Sherloc (09022015). Collection method: clinical testing. Allele origin: germline.
Comment: This sequence change replaces serine, which is neutral and polar, with cysteine, which is neutral and slightly polar, at codon 1844 of the NF1 protein (p.Ser1844Cys). This variant is not present in population databases (gnomAD no frequency). This variant has not been reported in the literature in individuals affected with NF1-related conditions. ClinVar contains an entry for this variant (Variation ID: 1748143). Invitae Evidence Modeling of protein sequence and biophysical properties (such as structural, functional, and spatial information, amino acid conservation, physicochemical variation, residue mobility, and thermodynamic stability) has been performed for this missense variant. However, the output from this modeling did not meet the statistical confidence thresholds required to predict the impact of this variant on NF1 protein function. In summary, the available evidence is currently insufficient to determine the role of this variant in disease. Therefore, it has been classified as a Variant of Uncertain Significance.

Ambry Genetics
Classification: Uncertain significance for Cardiovascular phenotype; Hereditary cancer-predisposing syndrome. Last evaluated: 2021-01-26. Review status: criteria provided, single submitter. Criteria: Ambry Variant Classification Scheme 2023. Collection method: clinical testing. Allele origin: germline.
Comment: The p.S1844C variant (also known as c.5531C>G), located in coding exon 37 of the NF1 gene, results from a C to G substitution at nucleotide position 5531. The serine at codon 1844 is replaced by cysteine, an amino acid with dissimilar properties. In one case-control study, this alteration was not observed in 7,051 unselected female or 53 unselected male breast cancer patients; it was observed with an allele frequency of 0.00009 in 11,241 female controls and with an allele frequency of 0.0001 in 12,490 male controls of Japanese ancestry (Momozawa Y et al. Nat Commun, 2018 10;9:4083). This amino acid position is highly conserved in available vertebrate species. In addition, the in silico prediction for this alteration is inconclusive. Since supporting evidence is limited at this time, the clinical significance of this alteration remains unclear.

NM_001042492.3(NF1):c.5594C>G (p.Ser1865Cys)

Gene: NF1 (neurofibromin 1; plus strand). Cytogenetic location: 17q11.2.
Variant type: single nucleotide variant.
Coding change: c.5594C>G on transcript NM_001042492.3 (MANE Select); coding-DNA position 5594, C replaced by G.
Protein change: p.Ser1865Cys; replaces serine 1865 with cysteine.
Molecular consequence: missense variant.
Genome position (GRCh38, 1-based): chr17:31,327,824, C>G. VCF-style: chr17-31327824-C-G. GRCh37 (hg19) VCF-style: chr17-29654842-C-G.
Other names: c.5531C>G, p.Ser1844Cys (NM_000267.4); short protein forms S1865C, S1844C.
Identifiers: ClinVar variation 1748143 (VCV001748143.5), dbSNP rs1245703067, ClinGen allele CA399010045.